The following is an entry in ClinVar:

NC_000016.9:g.(?_1269961)_(1270994_?)dup

Gene: CACNA1H (calcium voltage-gated channel subunit alpha1 H; plus strand). Cytogenetic location: 16p13.3.
Variant type: Duplication.
Identifiers: ClinVar variation 3243337 (VCV003243337.1).

ClinVar aggregate classification (germline): Uncertain significance (1 of 4 stars; one submission).

Conditions:
Idiopathic generalized epilepsy. Also called: Generalised epilepsy; EIG. Identifiers: MedGen C0270850, MONDO:0005579, OMIM 600669.
Hyperaldosteronism, familial, type IV (HALD4). Also called: FH IV; ALDOSTERONISM, PRIMARY, AND HYPERTENSION. Identifiers: Orphanet 642671, MedGen C4310756, MONDO:0014875, OMIM 617027.

Submission:

Labcorp Genetics (formerly Invitae), Labcorp
Classification: Uncertain significance for Idiopathic generalized epilepsy; Hyperaldosteronism, familial, type IV. Last evaluated: 2023-02-03. Review status: criteria provided, single submitter. Criteria: Invitae Variant Classification Sherloc (09022015). Collection method: clinical testing. Allele origin: unknown.
Comment: This variant results in a copy number gain of the genomic region encompassing exon(s) 35 of the CACNA1H gene. This region includes the termination codon of the gene. This copy number gain extends beyond the assayed region for this gene and therefore may encompass additional genes. As the precise location of this event is unknown, it may be in tandem or it may be located elsewhere in the genome. This variant has not been reported in the literature in individuals affected with CACNA1H-related conditions. Experimental studies and prediction algorithms are not available or were not evaluated, and the functional significance of this variant is currently unknown. In summary, the available evidence is currently insufficient to determine the role of this variant in disease. Therefore, it has been classified as a Variant of Uncertain Significance.